The following is an entry in ClinVar:

ClinVar aggregate classification (germline): Likely pathogenic. Review status: criteria provided, multiple submitters, no conflicts (2 of 4 stars). 2 submissions from 2 submitters: Likely pathogenic (2). Last evaluated 2026-08-06.

Conditions:
Mosaic variegated aneuploidy syndrome 1 (MVA1). Also called: Warburton-Anyane-Yeboa syndrome. Identifiers: Orphanet 1052, MedGen C1850343, MONDO:0009759, OMIM 257300.

Submissions (2):

OLLIN Analises Genomicas, OLLIN
Classification: Likely pathogenic for Mosaic variegated aneuploidy syndrome 1. Last evaluated: 2026-08-06. Review status: criteria provided, single submitter. Criteria: ACMG Guidelines 2015 PMID 25741868. Collection method: clinical testing. Allele origin: germline. Inheritance: Autosomal recessive inheritance.
Comment: This nonsense variant, located in exon 6 (of 23), has been reported in ClinVar (accession VCV002450844.2) and in gnomAD with an allele frequency of 0.00037%. However, to our knowledge, it has not been reported in the scientific literature. This variant introduces a premature stop codon, which is predicted to result in either a truncated protein or degradation of the mRNA via nonsense-mediated decay (NMD). According to the currently available evidence, this variant has been classified as likely pathogenic (PVS1, PM2_P).

Mayo Clinic Laboratories, Mayo Clinic
Classification: Likely pathogenic. Last evaluated: 2025-08-21. Review status: criteria provided, single submitter. Criteria: ACMG Guidelines, 2015. Collection method: clinical testing. Allele origin: germline. Observed: 1 variant allele.
Comment: PM2_supporting, PVS1

Literature cited by the submitters: PubMed 16411201 (cited by Mayo Clinic Laboratories, Mayo Clinic).

NM_001211.6(BUB1B):c.670C>T (p.Arg224Ter)

Gene: BUB1B (BUB1 mitotic checkpoint serine/threonine kinase B; plus strand). Cytogenetic location: 15q15.1.
Variant type: single nucleotide variant.
Coding change: c.670C>T on transcript NM_001211.6 (MANE Select); coding-DNA position 670, C replaced by T.
Protein change: p.Arg224Ter; replaces arginine 224 with a stop codon.
Molecular consequence: nonsense.
Genome position (GRCh38, 1-based): chr15:40,183,802, C>T. VCF-style: chr15-40183802-C-T. GRCh37 (hg19) VCF-style: chr15-40476003-C-T.
Other names: p.Arg224*; short protein forms R224*.
Identifiers: ClinVar variation 4541918 (VCV004541918.2).